The following is an entry in ClinVar:

NM_004006.3(DMD):c.574_577del (p.Ala192fs)

Gene: DMD (dystrophin; minus strand). Cytogenetic location: Xp21.1.
Variant type: Deletion.
Coding change: c.574_577del on transcript NM_004006.3 (MANE Select); coding-DNA positions 574 to 577, 4 bases deleted (GCCA; older notation c.574_577delGCCA).
Protein change: p.Ala192fs; shifts the reading frame from alanine 192.
Molecular consequence: frameshift variant.
Genome position (GRCh38, 1-based): chrX:32,809,565-32,809,568, TGGC deleted on the plus strand (GCCA on the coding strand, the reverse complement: DMD is on the minus strand); deleting any 4 consecutive bases within chrX:32,809,565-32,809,570 gives the same sequence; the c. name uses the placement nearest the transcript's 3' end. VCF-style (leftmost placement, unchanged base first): chrX-32809564-GTGGC-G. GRCh37 (hg19) VCF-style: chrX-32827681-GTGGC-G.
Other names: c.550_553del, p.Ala184fs (NM_000109.4); c.562_565del, p.Ala188fs (NM_004009.3); c.205_208del, p.Ala69fs (NM_004010.3); short protein forms A184fs, A188fs, A192fs, A69fs.
Identifiers: ClinVar variation 1076188 (VCV001076188.8), dbSNP rs2148751467, ClinGen allele CA2499226667.

ClinVar aggregate classification (germline): Pathogenic. Review status: criteria provided, multiple submitters, no conflicts (2 of 4 stars). 2 submissions from 2 submitters: Pathogenic (2). Last evaluated 2022-05-04.

Conditions:
Becker muscular dystrophy (BMD). Also called: Becker Muscular Dystrophy (BMD); MUSCULAR DYSTROPHY, PSEUDOHYPERTROPHIC PROGRESSIVE, BECKER TYPE. Identifiers: Orphanet 98895, MedGen C0917713, MONDO:0010311, OMIM 300376.
Duchenne muscular dystrophy (DMD). Also called: MUSCULAR DYSTROPHY, PSEUDOHYPERTROPHIC PROGRESSIVE, DUCHENNE TYPE; Duchenne Muscular Dystrophy (DMD). Identifiers: Orphanet 98896, MedGen C0013264, MONDO:0010679, OMIM 310200.

Submissions (2):

Mendelics
Classification: Pathogenic for Becker muscular dystrophy. Last evaluated: 2022-05-04. Review status: criteria provided, single submitter. Criteria: Mendelics Assertion Criteria 2019. Collection method: clinical testing. Allele origin: germline.

Labcorp Genetics (formerly Invitae), Labcorp
Classification: Pathogenic for Duchenne muscular dystrophy. Last evaluated: 2020-03-16. Review status: criteria provided, single submitter. Criteria: Invitae Variant Classification Sherloc (09022015). Collection method: clinical testing. Allele origin: germline.
Comment: This variant is not present in population databases (ExAC no frequency). This sequence change creates a premature translational stop signal (p.Ala192Hisfs*15) in the DMD gene. It is expected to result in an absent or disrupted protein product. This variant has not been reported in the literature in individuals with DMD-related conditions. Loss-of-function variants in DMD are known to be pathogenic (PMID: 16770791, 25007885). For these reasons, this variant has been classified as Pathogenic.

Literature cited by the submitters: PubMed 16770791 (cited by Labcorp Genetics (formerly Invitae), Labcorp); PubMed 25007885 (cited by Labcorp Genetics (formerly Invitae), Labcorp).